The following is an entry in ClinVar:

NM_000059.4(BRCA2):c.3629A>T (p.Asp1210Val)

Gene: BRCA2 (BRCA2 DNA repair associated; plus strand). Cytogenetic location: 13q13.1.
Variant type: single nucleotide variant.
Coding change: c.3629A>T on transcript NM_000059.4 (MANE Select); coding-DNA position 3629, A replaced by T.
Protein change: p.Asp1210Val; replaces aspartic acid 1210 with valine.
Molecular consequence: missense variant.
Genome position (GRCh38, 1-based): chr13:32,337,984, A>T. VCF-style: chr13-32337984-A-T. GRCh37 (hg19) VCF-style: chr13-32912121-A-T.
Other names: short protein forms D1210V.
Identifiers: ClinVar variation 234744 (VCV000234744.15), dbSNP rs397507311, ClinGen allele CA6940711.
Genomic context (GRCh38, chr13:32,337,984, plus strand): 5'-GGAAGTTTGCTGGCCTGTTGAAAAATGACTGTAACAAAAGTGCTTCTGGTTATTTAACAG[A>T]TGAAAATGAAGTGGGGTTTAGGGGCTTTTATTCTGCTCATGGCACAAAACTGAATGTTTC-3'
Protein context (NP_000050.3, residues 1200-1220): CNKSASGYLT[Asp1210Val]ENEVGFRGFY

ClinVar aggregate classification (germline): Conflicting classifications of pathogenicity. Review status: criteria provided, conflicting classifications (1 of 4 stars). 5 submissions from 5 submitters: Uncertain significance (3); Likely benign (2). Last evaluated 2025-10-22.

Conditions:
Hereditary cancer-predisposing syndrome. Also called: Tumor predisposition; Hereditary Cancer Syndrome; Hereditary neoplastic syndrome; Neoplastic Syndromes, Hereditary. Identifiers: Orphanet 140162, MedGen C0027672, MeSH D009386, MONDO:0015356.
Hereditary breast ovarian cancer syndrome. Also called: Hereditary breast and ovarian cancer; Breast and ovarian cancer; BRCA1- and BRCA2-Associated Hereditary Breast and Ovarian Cancer; Hereditary breast and ovarian cancer syndrome; Hereditary breast and ovarian cancer syndrome (HBOC); Hereditary breast and/or ovarian cancer syndrome. Identifiers: Orphanet 145, MedGen C0677776, MeSH D061325, MONDO:0003582. Disease mechanism: loss of function.
Breast-ovarian cancer, familial, susceptibility to, 2 (BROVCA2). Also called: BRCA2 Hereditary Breast and Ovarian Cancer. Identifiers: Orphanet 145, MedGen C2675520, MONDO:0012933, OMIM 612555. Disease mechanism: loss of function.

Allele frequency attached by ClinVar (database versions not stated): gnomAD 0.00001; 1000 Genomes Project 0.00020; gnomAD exomes below 0.00001; ExAC 0.00001.
gnomAD v4.1: 3 of 1,613,556 alleles (0.00019%); highest among the groups gnomAD compares: African/African-American, 0.004%; no homozygotes.

Submissions (5):

Ambry Genetics
Classification: Uncertain significance for Hereditary cancer-predisposing syndrome. Last evaluated: 2025-10-22. Review status: criteria provided, single submitter. Criteria: Ambry Variant Classification Scheme 2023. Collection method: clinical testing. Allele origin: germline.
Comment: The p.D1210V variant (also known as c.3629A>T), located in coding exon 10 of the BRCA2 gene, results from an A to T substitution at nucleotide position 3629. The aspartic acid at codon 1210 is replaced by valine, an amino acid with highly dissimilar properties. This amino acid position is not well conserved in available vertebrate species. In addition, this alteration is predicted to be tolerated by in silico analysis. Since supporting evidence is limited at this time, the clinical significance of this alteration remains unclear.

Myriad Genetics, Inc.
Classification: Likely benign for Breast-ovarian cancer, familial, susceptibility to, 2. Last evaluated: 2025-06-03. Review status: criteria provided, single submitter. Criteria: Myriad Autosomal Dominant, Autosomal Recessive and X-Linked Classification Criteria (2023). Collection method: clinical testing. Allele origin: unknown.
Comment: This variant is considered likely benign. This variant is strongly associated with less severe personal and family histories of cancer, typical for individuals without pathogenic variants in this gene [PMID: 25085752].

Labcorp Genetics (formerly Invitae), Labcorp
Classification: Uncertain significance for Hereditary breast ovarian cancer syndrome. Last evaluated: 2025-04-07. Review status: criteria provided, single submitter. Criteria: Invitae Variant Classification Sherloc (09022015). Collection method: clinical testing. Allele origin: germline.
Comment: This sequence change replaces aspartic acid, which is acidic and polar, with valine, which is neutral and non-polar, at codon 1210 of the BRCA2 protein (p.Asp1210Val). This variant is present in population databases (rs397507311, gnomAD 0.007%). This variant has not been reported in the literature in individuals affected with BRCA2-related conditions. ClinVar contains an entry for this variant (Variation ID: 234744). Invitae Evidence Modeling of protein sequence and biophysical properties (such as structural, functional, and spatial information, amino acid conservation, physicochemical variation, residue mobility, and thermodynamic stability) indicates that this missense variant is not expected to disrupt BRCA2 protein function with a negative predictive value of 95%. In summary, the available evidence is currently insufficient to determine the role of this variant in disease. Therefore, it has been classified as a Variant of Uncertain Significance.

University of Washington Department of Laboratory Medicine, University of Washington
Classification: Likely benign for Hereditary cancer-predisposing syndrome. Last evaluated: 2023-03-23. Review status: criteria provided, single submitter. Criteria: Dines et al. (Genet Med. 2020). Collection method: curation. Allele origin: germline.
Comment: Missense variant in a coldspot region where missense variants are very unlikely to be pathogenic (PMID:31911673).

BRCA2 exon 11 coldspot. Reclassification based on statistical prior probability.

GeneDx
Classification: Uncertain significance. Last evaluated: 2015-12-28. Review status: criteria provided, single submitter. Criteria: GeneDx Variant Classification (06012015). Collection method: clinical testing. Allele origin: germline. Affected: yes.
Comment: This variant is denoted BRCA2 c.3629A>T at the cDNA level, p.Asp1210Val (D1210V) at the protein level, and results in the change of an Aspartic Acid to a Valine (GAT>GTT). Using alternate nomenclature, this variant would be defined as BRCA2 3857A>T. This variant has not, to our knowledge, been published in the literature as pathogenic or benign. BRCA2 Asp1210Val was not observed at a significant allele frequency in 1000 Genomes. Since Aspartic Acid and Valine differ in polarity, charge, size or other properties, this is considered a non-conservative amino acid substitution. BRCA2 Asp1210Val occurs at a position that is not conserved and is not located in a known functional domain (Uniprot). In silico analyses predict that this variant is unlikely to alter protein structure or function. Based on currently available evidence, it is unclear whether BRCA2 Asp1210Val is a pathogenic or benign variant. We consider it to be a variant of uncertain significance.

Literature cited by the submitters: PubMed 25085752 (cited by Myriad Genetics, Inc.).